The following is an entry in ClinVar:

NM_013275.6(ANKRD11):c.6436A>G (p.Lys2146Glu)

Gene: ANKRD11 (ankyrin repeat domain 11; minus strand). Cytogenetic location: 16q24.3.
Variant type: single nucleotide variant.
Coding change: c.6436A>G on transcript NM_013275.6 (MANE Select); coding-DNA position 6436, A replaced by G.
Protein change: p.Lys2146Glu; replaces lysine 2146 with glutamic acid.
Molecular consequence: missense variant.
Genome position (GRCh38, 1-based): chr16:89,280,106, T>C on the plus strand (A>G on the coding strand, the complement: ANKRD11 is on the minus strand). VCF-style: chr16-89280106-T-C. GRCh37 (hg19) VCF-style: chr16-89346514-T-C.
Other names: c.6436A>G, p.Lys2146Glu (NM_001256182.2, NM_001256183.2); c.6436A>G (NM_013275.4); short protein forms K2146E.
Identifiers: ClinVar variation 661412 (VCV000661412.14), dbSNP rs1283976400, ClinGen allele CA397151159.

ClinVar aggregate classification (germline): Conflicting classifications of pathogenicity. Review status: criteria provided, conflicting classifications (1 of 4 stars). 4 submissions from 4 submitters: Uncertain significance (1); Benign (1); Likely benign (2). Last evaluated 2026-04-08.

Conditions:
Inborn genetic diseases. Identifiers: MedGen C0950123, MeSH D030342.
KBG syndrome (KBGS). Also called: ANKRD11-Related KBG Syndrome. Identifiers: Orphanet 2332, MedGen C0220687, MONDO:0007846, OMIM 148050.

Allele frequency attached by ClinVar (database versions not stated): gnomAD 0.00003 and 0.00004; gnomAD exomes 0.00002; TOPMed 0.00005.
gnomAD v4.1: 14 of 1,612,888 alleles (0.00087%); highest among the groups gnomAD compares: Admixed American, 0.02%; no homozygotes.

Submissions (4):

Ambry Genetics
Classification: Likely benign for Inborn genetic diseases. Last evaluated: 2026-04-08. Review status: criteria provided, single submitter. Criteria: Ambry Variant Classification Scheme 2023. Collection method: clinical testing. Allele origin: germline.

Labcorp Genetics (formerly Invitae), Labcorp
Classification: Benign for KBG syndrome. Last evaluated: 2025-09-07. Review status: criteria provided, single submitter. Criteria: Invitae Variant Classification Sherloc (09022015). Collection method: clinical testing. Allele origin: germline.

Women's Health and Genetics/Laboratory Corporation of America, LabCorp
Classification: Uncertain significance. Last evaluated: 2025-07-22. Review status: criteria provided, single submitter. Criteria: LabCorp Variant Classification Summary - May 2015. Collection method: clinical testing. Allele origin: germline.
Comment: Variant summary: ANKRD11 c.6436A>G (p.Lys2146Glu) results in a conservative amino acid change in the encoded protein sequence. Algorithms developed to predict the effect of missense changes on protein structure and function are either unavailable or do not agree on the potential impact of this missense change. The variant allele was found at a frequency of 1.7e-05 in 241688 control chromosomes. The available data on variant occurrences in the general population are insufficient to allow any conclusion about variant significance. To our knowledge, no occurrence of c.6436A>G in individuals affected with KBG Syndrome and no experimental evidence demonstrating its impact on protein function have been reported. ClinVar contains an entry for this variant (Variation ID: 661412). Based on the evidence outlined above, the variant was classified as uncertain significance.

GeneDx
Classification: Likely benign. Last evaluated: 2021-02-01. Review status: criteria provided, single submitter. Criteria: GeneDx Variant Classification Process June 2021. Collection method: clinical testing. Allele origin: germline. Affected: yes.